The following is an entry in ClinVar:

ClinVar aggregate classification (germline): Uncertain significance (1 of 4 stars; one submission).

Conditions:
PLXNA4-related disorder. Also called: PLXNA4-related condition.

gnomAD v4.1: 34 of 1,614,154 alleles (0.0021%); highest among the groups gnomAD compares: Non-Finnish European, 0.0028%; no homozygotes.

Submission:

PreventionGenetics, part of Exact Sciences
Classification: Uncertain significance for PLXNA4-related condition. Last evaluated: 2026-08-01. Review status: criteria provided, single submitter. Criteria: ACMG Guidelines, 2015. Collection method: clinical testing. Allele origin: germline.
Comment: The PLXNA4 c.228C>A variant is predicted to result in the amino acid substitution p.Ser76Arg. To our knowledge, this variant has not been reported in the literature. This variant is reported in 0.00088% of alleles in individuals of European (Non-Finnish) descent in gnomAD. At this time, the clinical significance of this variant is uncertain due to the absence of conclusive functional and genetic evidence.

NM_020911.2(PLXNA4):c.228C>A (p.Ser76Arg)

Gene: PLXNA4 (plexin A4; minus strand). Cytogenetic location: 7q32.3.
Variant type: single nucleotide variant.
Coding change: c.228C>A on transcript NM_020911.2 (MANE Select); coding-DNA position 228, C replaced by A.
Protein change: p.Ser76Arg; replaces serine 76 with arginine.
Molecular consequence: missense variant.
Genome position (GRCh38, 1-based): chr7:132,508,466, G>T on the plus strand (C>A on the coding strand, the complement: PLXNA4 is on the minus strand). VCF-style: chr7-132508466-G-T. GRCh37 (hg19) VCF-style: chr7-132193225-G-T.
Other names: c.228C>A, p.Ser76Arg (NM_001105543.2, NM_001393897.1, NM_181775.4); short protein forms S76R.
Identifiers: ClinVar variation 4981860 (VCV004981860.1).
Genomic context (GRCh38, chr7:132,508,466, plus strand): 5'-GTAACACTTGGGGTTGTCCTCGTCCGGCCCTGTCTCATGCGTCACCAAGACCTTCAGGTC[G>T]CTGGAGAGCTTGTAAATCCGATTGACGGCCCCCAAGTAAATGTGTCCTGTCCTCTCATCC-3'
Protein context (NP_065962.1, residues 66-86): GAVNRIYKLS[Ser76Arg]DLKVLVTHET